The following is an entry in ClinVar:

ClinVar aggregate classification (germline): Likely benign. Review status: criteria provided, multiple submitters, no conflicts (2 of 4 stars). 2 submissions from 2 submitters: Likely benign (2). Last evaluated 2025-10-23.

Allele frequency attached by ClinVar (database versions not stated): ExAC 0.00002; gnomAD 0.00007 and 0.00008; TOPMed 0.00008.
gnomAD v4.1: 69 of 1,613,964 alleles (0.0043%); highest among the groups gnomAD compares: Middle Eastern, 0.016%; no homozygotes.

Submissions (2):

Labcorp Genetics (formerly Invitae), Labcorp
Classification: Likely benign. Last evaluated: 2025-10-23. Review status: criteria provided, single submitter. Criteria: Invitae Variant Classification Sherloc (09022015). Collection method: clinical testing. Allele origin: germline.

CeGaT Center for Human Genetics Tuebingen
Classification: Likely benign. Last evaluated: 2022-07-01. Review status: criteria provided, single submitter. Criteria: CeGaT Center For Human Genetics Tuebingen Variant Classification Criteria Version 2. Collection method: clinical testing. Allele origin: germline. Affected: yes. Observed: 1 variant allele.
Comment: FGFR3: BP4, BP7

NM_000142.5(FGFR3):c.984C>T (p.Asn328=)

Gene: FGFR3 (fibroblast growth factor receptor 3; plus strand). Cytogenetic location: 4p16.3.
Variant type: single nucleotide variant.
Coding change: c.984C>T on transcript NM_000142.5 (MANE Select); coding-DNA position 984, C replaced by T.
Protein change: p.Asn328=; no amino-acid change (asparagine 328 retained).
Molecular consequence: synonymous variant. On other transcripts: non-coding transcript variant (1), intron variant (2).
Genome position (GRCh38, 1-based): chr4:1,803,745, C>T. VCF-style: chr4-1803745-C-T. GRCh37 (hg19) VCF-style: chr4-1805472-C-T.
Other names: c.984C>T, p.Asn328= (NM_001354809.2, NM_001354810.2); c.1082-585C>T (NM_001163213.2); c.931-1079C>T (NM_022965.4).
Identifiers: ClinVar variation 1680050 (VCV001680050.32), dbSNP rs753213058, ClinGen allele CA2810153.